The following is an entry in ClinVar:

NM_001077653.2(TBX20):c.403G>T (p.Val135Leu)

Gene: TBX20 (T-box transcription factor 20; minus strand). Cytogenetic location: 7p14.2.
Variant type: single nucleotide variant.
Coding change: c.403G>T on transcript NM_001077653.2 (MANE Select); coding-DNA position 403, G replaced by T.
Protein change: p.Val135Leu; replaces valine 135 with leucine.
Molecular consequence: missense variant.
Genome position (GRCh38, 1-based): chr7:35,248,819, C>A on the plus strand (G>T on the coding strand, the complement: TBX20 is on the minus strand). VCF-style: chr7-35248819-C-A. GRCh37 (hg19) VCF-style: chr7-35288431-C-A.
Other names: c.403G>T, p.Val135Leu (NM_001166220.1); short protein forms V135L.
Identifiers: ClinVar variation 3630174 (VCV003630174.2).

ClinVar aggregate classification (germline): Uncertain significance (1 of 4 stars; one submission).

gnomAD v4.1: 2 of 1,613,940 alleles (0.00012%); highest among the groups gnomAD compares: Non-Finnish European, 0.00017%; no homozygotes.

Submission:

Labcorp Genetics (formerly Invitae), Labcorp
Classification: Uncertain significance. Last evaluated: 2024-10-21. Review status: criteria provided, single submitter. Criteria: Invitae Variant Classification Sherloc (09022015). Collection method: clinical testing. Allele origin: germline.
Comment: This sequence change replaces valine, which is neutral and non-polar, with leucine, which is neutral and non-polar, at codon 135 of the TBX20 protein (p.Val135Leu). This variant is not present in population databases (gnomAD no frequency). This variant has not been reported in the literature in individuals affected with TBX20-related conditions. Invitae Evidence Modeling of protein sequence and biophysical properties (such as structural, functional, and spatial information, amino acid conservation, physicochemical variation, residue mobility, and thermodynamic stability) indicates that this missense variant is not expected to disrupt TBX20 protein function with a negative predictive value of 80%. In summary, the available evidence is currently insufficient to determine the role of this variant in disease. Therefore, it has been classified as a Variant of Uncertain Significance.